The following is an entry in ClinVar:

NM_199334.5(THRA):c.756G>C (p.Lys252Asn)

Gene: THRA (thyroid hormone receptor alpha; plus strand). Cytogenetic location: 17q21.1.
Variant type: single nucleotide variant.
Coding change: c.756G>C on transcript NM_199334.5 (MANE Select); coding-DNA position 756, G replaced by C.
Protein change: p.Lys252Asn; replaces lysine 252 with asparagine.
Molecular consequence: missense variant.
Genome position (GRCh38, 1-based): chr17:40,088,274, G>C. VCF-style: chr17-40088274-G-C. GRCh37 (hg19) VCF-style: chr17-38244527-G-C.
Other names: c.756G>C, p.Lys252Asn (NM_001190918.2, NM_001190919.2, NM_003250.6); short protein forms K252N.
Identifiers: ClinVar variation 1314060 (VCV001314060.2), dbSNP rs2145084926, ClinGen allele CA399274341.

ClinVar aggregate classification (germline): Uncertain significance (1 of 4 stars; one submission).

Submission:

GeneDx
Classification: Uncertain significance. Last evaluated: 2021-09-13. Review status: criteria provided, single submitter. Criteria: GeneDx Variant Classification Process June 2021. Collection method: clinical testing. Allele origin: germline. Affected: yes.
Comment: Not observed in large population cohorts (Lek et al., 2016); In silico analysis supports that this missense variant has a deleterious effect on protein structure/function; Has not been previously published as pathogenic or benign to our knowledge